The following is an entry in ClinVar:

NM_000169.3(GLA):c.920C>T (p.Ala307Val)

Genes: GLA (galactosidase alpha; minus strand), RPL36A-HNRNPH2 (RPL36A-HNRNPH2 readthrough; plus strand). Cytogenetic location: Xq22.1.
Variant type: single nucleotide variant.
Coding change: c.920C>T on transcript NM_000169.3 (MANE Select); coding-DNA position 920, C replaced by T.
Protein change: p.Ala307Val; replaces alanine 307 with valine.
Molecular consequence: missense variant. On other transcripts: non-coding transcript variant (3), intron variant (2).
Genome position (GRCh38, 1-based): chrX:101,398,449, G>A on the plus strand (C>T on the coding strand, the complement: GLA is on the minus strand). VCF-style: chrX-101398449-G-A. GRCh37 (hg19) VCF-style: chrX-100653437-G-A.
Other names: c.1043C>T, p.Ala348Val (NM_001406747.1); c.920C>T, p.Ala307Val (NM_001406748.1); c.300+2992G>A (NM_001199973.2); c.177+6627G>A (NM_001199974.2); short protein forms A307V, A348V.
Identifiers: ClinVar variation 2733355 (VCV002733355.3), dbSNP rs869312447, ClinGen allele CA352783.

ClinVar aggregate classification (germline): Uncertain significance (1 of 4 stars; one submission).

Conditions:
Fabry disease. Also called: Fabry's disease; ALPHA-GALACTOSIDASE A DEFICIENCY; ANDERSON-FABRY DISEASE; CERAMIDE TRIHEXOSIDASE DEFICIENCY; GLA DEFICIENCY; HEREDITARY DYSTOPIC LIPIDOSIS. Identifiers: Orphanet 324, MedGen C0002986, MONDO:0010526, OMIM 301500, HP:0001071. Disease mechanism: Fabry disease is due to inactivating mutations in the X-linked GLA gene resulting in deficiency of the enzyme Alpha Galactosidase-A., loss of function.

Submission:

Labcorp Genetics (formerly Invitae), Labcorp
Classification: Uncertain significance for Fabry disease. Last evaluated: 2023-07-12. Review status: criteria provided, single submitter. Criteria: Invitae Variant Classification Sherloc (09022015). Collection method: clinical testing. Allele origin: germline.
Comment: This variant is not present in population databases (gnomAD no frequency). This variant has not been reported in the literature in individuals affected with GLA-related conditions. Advanced modeling of protein sequence and biophysical properties (such as structural, functional, and spatial information, amino acid conservation, physicochemical variation, residue mobility, and thermodynamic stability) performed at Invitae indicates that this missense variant is not expected to disrupt GLA protein function. This sequence change replaces alanine, which is neutral and non-polar, with valine, which is neutral and non-polar, at codon 307 of the GLA protein (p.Ala307Val). In summary, the available evidence is currently insufficient to determine the role of this variant in disease. Therefore, it has been classified as a Variant of Uncertain Significance.